The following is an entry in ClinVar:

NM_201253.3(CRB1):c.1708G>A (p.Val570Met)

Gene: CRB1 (crumbs cell polarity complex component 1; plus strand). Cytogenetic location: 1q31.3.
Variant type: single nucleotide variant.
Coding change: c.1708G>A on transcript NM_201253.3 (MANE Select); coding-DNA position 1708, G replaced by A.
Protein change: p.Val570Met; replaces valine 570 with methionine.
Molecular consequence: missense variant. On other transcripts: non-coding transcript variant (2).
Genome position (GRCh38, 1-based): chr1:197,421,536, G>A. VCF-style: chr1-197421536-G-A. GRCh37 (hg19) VCF-style: chr1-197390666-G-A.
Other names: c.1372G>A, p.Val458Met (NM_001193640.2); c.1501G>A, p.Val501Met (NM_001257965.2); c.1708G>A, p.Val570Met (NM_001257966.2); c.1708G>A (NM_201253.2); short protein forms V501M, V458M, V570M.
Identifiers: ClinVar variation 1492209 (VCV001492209.10), dbSNP rs754482666, ClinGen allele CA1311965.
Genomic context (GRCh38, chr1:197,421,536, plus strand): 5'-AATCAGTCAAAGGTGCTTCTGTTCATTTCCCACAACACCAGCGATGGAGAGTGGCATTTC[G>A]TGGAGGTAATATTTGCAGAGGCTGTGACCCTTACCTTAATCGACGACTCCTGTAAGGAGA-3'
Protein context (NP_957705.1, residues 560-580): HNTSDGEWHF[Val570Met]EVIFAEAVTL

ClinVar aggregate classification (germline): Uncertain significance. Review status: criteria provided, multiple submitters, no conflicts (2 of 4 stars). 7 submissions from 5 submitters: Uncertain significance (7). Last evaluated 2026-03-05.

Conditions:
Pigmented paravenous retinochoroidal atrophy. Identifiers: Orphanet 251295, MedGen C1868310, MONDO:0008246, OMIM 172870.
Retinitis pigmentosa 12 (RP12). Also called: RP WITH OR WITHOUT PRESERVED PARAARTERIOLE RETINAL PIGMENT EPITHELIUM; RETINITIS PIGMENTOSA WITH OR WITHOUT PARAARTERIOLAR PRESERVATION OF RETINAL PIGMENT EPITHELIUM; RP WITH OR WITHOUT PPRPE. Identifiers: Orphanet 791, MedGen C1838647, MONDO:0010818, OMIM 600105.
Leber congenital amaurosis 8 (LCA8). Identifiers: Orphanet 65, MedGen C3151202, MONDO:0013453, OMIM 613835.

gnomAD v4.1: 10 of 1,614,228 alleles (0.00062%); highest among the groups gnomAD compares: South Asian, 0.0044%; 1 homozygote.

Submissions (7):

Women's Health and Genetics/Laboratory Corporation of America, LabCorp
Classification: Uncertain significance. Last evaluated: 2026-03-05. Review status: criteria provided, single submitter. Criteria: LabCorp Variant Classification Summary - May 2015. Collection method: clinical testing. Allele origin: germline.
Comment: Variant summary: CRB1 c.1708G>A (p.Val570Met) results in a conservative amino acid change in the encoded protein sequence. Algorithms developed to predict the effect of missense changes on protein structure and function are either unavailable or do not agree on the potential impact of this missense change. The variant allele was found at a frequency of 2e-05 in 251128 control chromosomes in the gnomAD database, including 1 homozygote. The available data on variant occurrences in the general population are insufficient to allow any conclusion about variant significance. c.1708G>A has been observed in an unknown state in at least 2 individual(s) affected with clinical features of Retinal and or Macular Dystrophy (example, Ganapathi_2022, Wang_2024) without strong evidence for causality. These report(s) do not provide unequivocal conclusions about association of the variant with Retinal Dystrophy. To our knowledge, no experimental evidence demonstrating an impact on protein function has been reported. The following publications have been ascertained in the context of this evaluation (PMID: 35672425, 39496395). ClinVar contains an entry for this variant (Variation ID: 1492209). Based on the evidence outlined above, the variant was classified as uncertain significance.

Labcorp Genetics (formerly Invitae), Labcorp
Classification: Uncertain significance for Leber congenital amaurosis 8; Retinitis pigmentosa 12. Last evaluated: 2024-11-05. Review status: criteria provided, single submitter. Criteria: Invitae Variant Classification Sherloc (09022015). Collection method: clinical testing. Allele origin: germline.
Comment: This sequence change replaces valine, which is neutral and non-polar, with methionine, which is neutral and non-polar, at codon 570 of the CRB1 protein (p.Val570Met). This variant is present in population databases (rs754482666, gnomAD 0.01%). This variant has not been reported in the literature in individuals affected with CRB1-related conditions. ClinVar contains an entry for this variant (Variation ID: 1492209). Invitae Evidence Modeling of protein sequence and biophysical properties (such as structural, functional, and spatial information, amino acid conservation, physicochemical variation, residue mobility, and thermodynamic stability) indicates that this missense variant is expected to disrupt CRB1 protein function with a positive predictive value of 80%. In summary, the available evidence is currently insufficient to determine the role of this variant in disease. Therefore, it has been classified as a Variant of Uncertain Significance.

Genome-Nilou Lab
Classification: Uncertain significance for Leber congenital amaurosis 8. Last evaluated: 2023-04-11. Review status: criteria provided, single submitter. Criteria: ACMG Guidelines, 2015. Collection method: clinical testing. Allele origin: germline. Affected: no.

Genome-Nilou Lab
Classification: Uncertain significance for Pigmented paravenous retinochoroidal atrophy. Last evaluated: 2023-04-11. Review status: criteria provided, single submitter. Criteria: ACMG Guidelines, 2015. Collection method: clinical testing. Allele origin: germline. Affected: no.

Genome-Nilou Lab
Classification: Uncertain significance for Retinitis pigmentosa 12. Last evaluated: 2023-04-11. Review status: criteria provided, single submitter. Criteria: ACMG Guidelines, 2015. Collection method: clinical testing. Allele origin: germline. Affected: no.

Blueprint Genetics
Classification: Uncertain significance. Last evaluated: 2022-11-02. Review status: criteria provided, single submitter. Criteria: ACMG Guidelines, 2015. Collection method: clinical testing. Allele origin: germline.

GeneDx
Classification: Uncertain significance. Last evaluated: 2022-08-16. Review status: criteria provided, single submitter. Criteria: GeneDx Variant Classification Process June 2021. Collection method: clinical testing. Allele origin: germline. Affected: yes.
Comment: In silico analysis supports that this missense variant has a deleterious effect on protein structure/function; Has not been previously published as pathogenic or benign to our knowledge

Literature cited by the submitters: PubMed 35672425 (cited by Women's Health and Genetics/Laboratory Corporation of America, LabCorp); PubMed 39496395 (cited by Women's Health and Genetics/Laboratory Corporation of America, LabCorp).